The following is an entry in ClinVar:

ClinVar aggregate classification (germline): Uncertain significance. Review status: criteria provided, multiple submitters, no conflicts (2 of 4 stars). 2 submissions from 2 submitters: Uncertain significance (2). Last evaluated 2025-01-29.

Conditions:
Klippel-Feil anomaly-myopathy-facial dysmorphism syndrome. Also called: Klippel-feil syndrome 4, autosomal recessive, with nemaline myopathy and facial dysmorphism; Klippel-Feil syndrome 4, autosomal recessive, with myopathy and facial dysmorphism. Identifiers: Orphanet 447974, MedGen C4225285, MONDO:0014689, OMIM 616549.

Allele frequency attached by ClinVar (database versions not stated): gnomAD exomes 0.00002 and below 0.00001; TOPMed 0.00002; gnomAD 0.00001.
gnomAD v4.1: 7 of 1,612,452 alleles (0.00043%); highest among the groups gnomAD compares: Admixed American, 0.0017%; no homozygotes.

Submissions (2):

Revvity Omics, Revvity
Classification: Uncertain significance for Klippel-Feil anomaly-myopathy-facial dysmorphism syndrome. Last evaluated: 2025-01-29. Review status: criteria provided, single submitter. Criteria: ACMG Guidelines, 2015. Collection method: clinical testing. Allele origin: germline.

Labcorp Genetics (formerly Invitae), Labcorp
Classification: Uncertain significance. Last evaluated: 2022-06-27. Review status: criteria provided, single submitter. Criteria: Invitae Variant Classification Sherloc (09022015). Collection method: clinical testing. Allele origin: germline.
Comment: In summary, the available evidence is currently insufficient to determine the role of this variant in disease. Therefore, it has been classified as a Variant of Uncertain Significance. Algorithms developed to predict the effect of missense changes on protein structure and function are either unavailable or do not agree on the potential impact of this missense change (SIFT: "Not Available"; PolyPhen-2: "Benign"; Align-GVGD: "Not Available"). This variant has not been reported in the literature in individuals affected with MYO18B-related conditions. This variant is present in population databases (no rsID available, gnomAD 0.007%). This sequence change replaces valine with methionine at codon 1160 of the MYO18B protein (p.Val1160Met). The valine residue is weakly conserved and there is a small physicochemical difference between valine and methionine.

NM_032608.7(MYO18B):c.3478G>A (p.Val1160Met)

Gene: MYO18B (myosin XVIIIB; plus strand). Cytogenetic location: 22q12.1.
Variant type: single nucleotide variant.
Coding change: c.3478G>A on transcript NM_032608.7 (MANE Select); coding-DNA position 3478, G replaced by A.
Protein change: p.Val1160Met; replaces valine 1160 with methionine.
Molecular consequence: missense variant.
Genome position (GRCh38, 1-based): chr22:25,846,209, G>A. VCF-style: chr22-25846209-G-A. GRCh37 (hg19) VCF-style: chr22-26242176-G-A.
Other names: c.3481G>A, p.Val1161Met (NM_001318245.2); short protein forms V1161M, V1160M.
Identifiers: ClinVar variation 1499849 (VCV001499849.5), dbSNP rs907113777, ClinGen allele CA322774318.